The following is an entry in ClinVar:

NM_015506.3(MMACHC):c.478_481del (p.Ile160fs)

Gene: MMACHC (metabolism of cobalamin associated C; plus strand). Cytogenetic location: 1p34.1.
Variant type: Deletion.
Coding change: c.478_481del on transcript NM_015506.3 (MANE Select); coding-DNA positions 478 to 481, 4 bases deleted (ATCC; older notation c.478_481delATCC).
Protein change: p.Ile160fs; shifts the reading frame from isoleucine 160.
Molecular consequence: frameshift variant.
Genome position (GRCh38, 1-based): chr1:45,508,844-45,508,847, ATCC deleted; deleting any 4 consecutive bases within chr1:45,508,842-45,508,847 gives the same sequence; the c. name uses the placement nearest the transcript's 3' end. VCF-style (leftmost placement, unchanged base first): chr1-45508841-GCCAT-G. GRCh37 (hg19) VCF-style: chr1-45974513-GCCAT-G.
Other names: c.307_310del, p.Ile103fs (NM_001330540.2); short protein forms I103fs, I160fs.
Identifiers: ClinVar variation 2864373 (VCV002864373.3), dbSNP rs2149323826, ClinGen allele CA2573051585.

ClinVar aggregate classification (germline): Pathogenic (1 of 4 stars; one submission).

Conditions:
Cobalamin C disease. Also called: methylmalonic aciduria and homocystinuria type cblC; Cobalamin-C methylmalonic acidemia and homocystinuria; Methylmalonic acidemia and homocystinuria cblC type; Methylmalonic aciduria with homocystinuria cblC type; Methylmalonic aciduria and homocystinuria, Vitamin B12-responsive; Vitamin B12 metabolic defect with combined deficiency of methylmalonyl-CoA mutase and homocysteine:methyltetrahydrofolate methyltransferase. Identifiers: Orphanet 26, Orphanet 79282, MedGen C1848561, MONDO:0010184, OMIM 277400.

Submission:

Labcorp Genetics (formerly Invitae), Labcorp
Classification: Pathogenic for Cobalamin C disease. Last evaluated: 2023-07-04. Review status: criteria provided, single submitter. Criteria: Invitae Variant Classification Sherloc (09022015). Collection method: clinical testing. Allele origin: germline.
Comment: This sequence change creates a premature translational stop signal (p.Ile160Glufs*3) in the MMACHC gene. While this is not anticipated to result in nonsense mediated decay, it is expected to disrupt the last 123 amino acid(s) of the MMACHC protein. This variant is not present in population databases (gnomAD no frequency). This variant has not been reported in the literature in individuals affected with MMACHC-related conditions. Algorithms developed to predict the effect of sequence changes on RNA splicing suggest that this variant may create or strengthen a splice site. This variant disrupts a region of the MMACHC protein in which other variant(s) (p.Tyr222*) have been determined to be pathogenic (PMID: 16311595, 19767224, 30157807). This suggests that this is a clinically significant region of the protein, and that variants that disrupt it are likely to be disease-causing. For these reasons, this variant has been classified as Pathogenic.

Literature cited by the submitters: PubMed 16311595; PubMed 19767224; PubMed 30157807.